The following is an entry in ClinVar:

ClinVar aggregate classification (germline): Uncertain significance (1 of 4 stars; one submission).

Conditions:
Neuropathy, hereditary sensory, type 2C. Also called: KIF1A-Related HSAN2 (HSAN2C); Hereditary sensory and autonomic neuropathy type IIC. Identifiers: Orphanet 970, MedGen C3280168, MONDO:0013634, OMIM 614213.
Hereditary spastic paraplegia 30. Identifiers: Orphanet 101010, MedGen C5235139, MONDO:0012476.
Intellectual disability, autosomal dominant 9 (NESCAVS). Also called: NESCAV SYNDROME; KIF1A-Related Neurodevelopmental Disorder. Identifiers: Orphanet 662367, MedGen C5393830, MONDO:0013656, OMIM 614255.

Submission:

Labcorp Genetics (formerly Invitae), Labcorp
Classification: Uncertain significance for Hereditary spastic paraplegia 30; Neuropathy, hereditary sensory, type 2C; Intellectual disability, autosomal dominant 9. Last evaluated: 2025-08-21. Review status: criteria provided, single submitter. Criteria: Invitae Variant Classification Sherloc (09022015). Collection method: clinical testing. Allele origin: germline.
Comment: This sequence change replaces glutamic acid, which is acidic and polar, with aspartic acid, which is acidic and polar, at codon 1558 of the KIF1A protein (p.Glu1558Asp). This variant is not present in population databases (gnomAD no frequency). This variant has not been reported in the literature in individuals affected with KIF1A-related conditions. ClinVar contains an entry for this variant (Variation ID: 2937180). Invitae Evidence Modeling of protein sequence and biophysical properties (such as structural, functional, and spatial information, amino acid conservation, physicochemical variation, residue mobility, and thermodynamic stability) indicates that this missense variant is not expected to disrupt KIF1A protein function with a negative predictive value of 95%. In summary, the available evidence is currently insufficient to determine the role of this variant in disease. Therefore, it has been classified as a Variant of Uncertain Significance.

NM_001244008.2(KIF1A):c.4977G>C (p.Glu1659Asp)

Gene: KIF1A (kinesin family member 1A; minus strand). Cytogenetic location: 2q37.3.
Variant type: single nucleotide variant.
Coding change: c.4977G>C on transcript NM_001244008.2 (MANE Select); coding-DNA position 4977, G replaced by C.
Protein change: p.Glu1659Asp; replaces glutamic acid 1659 with aspartic acid.
Molecular consequence: missense variant.
Genome position (GRCh38, 1-based): chr2:240,719,818, C>G on the plus strand (G>C on the coding strand, the complement: KIF1A is on the minus strand). VCF-style: chr2-240719818-C-G. GRCh37 (hg19) VCF-style: chr2-241659235-C-G.
Other names: c.4701G>C, p.Glu1567Asp (NM_001320705.2, NM_001379649.1); c.4728G>C, p.Glu1576Asp (NM_001330289.2); c.4776G>C, p.Glu1592Asp (NM_001330290.2, NM_001379648.1); c.5052G>C, p.Glu1684Asp (NM_001379631.1); c.4953G>C, p.Glu1651Asp (NM_001379632.1); c.4950G>C, p.Glu1650Asp (NM_001379633.1, NM_001379645.1); c.4803G>C, p.Glu1601Asp (NM_001379634.1); c.4800G>C, p.Glu1600Asp (NM_001379635.1, NM_001379646.1); and 7 more; short protein forms E1558D, E1592D, E1600D, E1650D, E1557D, E1596D, E1575D, E1576D.
Identifiers: ClinVar variation 2937180 (VCV002937180.3), dbSNP rs992259915, ClinGen allele CA68133929.
Genomic context (GRCh38, chr2:240,719,818, plus strand): 5'-GGGAGGCCCCACACACCTGACTCGGATCTCCTGGATGTCAGGGACCAGCAGGCGCTGGGG[C>G]TCCTTGTCTGTCTCTGTTGCCCGGGCAGGGGAAGGGAGCTTCTTGGAGTCGGCCTCTGGC-3'
Protein context (NP_001230937.1, residues 1649-1669): SPARATETDK[Glu1659Asp]PQRLLVPDIQ